The following is an entry in ClinVar:

NM_018075.5(ANO10):c.710G>A (p.Trp237Ter)

Gene: ANO10 (anoctamin 10; minus strand). Cytogenetic location: 3p22.1.
Variant type: single nucleotide variant.
Coding change: c.710G>A on transcript NM_018075.5 (MANE Select); coding-DNA position 710, G replaced by A.
Protein change: p.Trp237Ter; replaces tryptophan 237 with a stop codon.
Molecular consequence: nonsense. On other transcripts: intron variant (1).
Genome position (GRCh38, 1-based): chr3:43,577,144, C>T on the plus strand (G>A on the coding strand, the complement: ANO10 is on the minus strand). VCF-style: chr3-43577144-C-T. GRCh37 (hg19) VCF-style: chr3-43618636-C-T.
Other names: c.710G>A, p.Trp237Ter (NM_001204831.3, NM_001346463.2, NM_001346464.2 and 3 more transcripts); c.512G>A, p.Trp171Ter (NM_001204832.3, NM_001346466.2, NM_001346469.2); c.377G>A, p.Trp126Ter (NM_001204833.3); c.593-2280G>A (NM_001204834.3); short protein forms W126*, W171*, W237*.
Identifiers: ClinVar variation 2809084 (VCV002809084.5), dbSNP rs2081048927, ClinGen allele CA352344131.

ClinVar aggregate classification (germline): Pathogenic. Review status: criteria provided, multiple submitters, no conflicts (2 of 4 stars). 3 submissions from 3 submitters: Pathogenic (3). Last evaluated 2025-07-29.

Conditions:
Autosomal recessive spinocerebellar ataxia 10. Identifiers: Orphanet 284289, MedGen C3150998, MONDO:0013392, OMIM 613728.

Allele frequency attached by ClinVar (database versions not stated): TOPMed below 0.00001.

Submissions (3):

Otogenetics
Classification: Pathogenic for Autosomal recessive spinocerebellar ataxia 10. Last evaluated: 2025-07-29. Review status: criteria provided, single submitter. Criteria: ACMG Guidelines, 2015. Collection method: clinical testing. Allele origin: germline. Affected: no.
Comment: PVS1: Null variant introduces a premature stop codon in a gene with loss of function as mechanism of disease, predicted to undergo NMD; PM2: Variant not observed in gnomAD (<0.08% threshold); PP3: In-silico models predict deleterious affect (MutationTaster = 1, SpliceAI = 0.92)

Myriad Genetics, Inc.
Classification: Pathogenic for Autosomal recessive spinocerebellar ataxia 10. Last evaluated: 2025-03-30. Review status: criteria provided, single submitter. Criteria: Myriad Autosomal Dominant, Autosomal Recessive and X-Linked Classification Criteria (2023). Collection method: clinical testing. Allele origin: unknown.
Comment: NM_018075.3(ANO10):c.710G>A(W237*) is expected to be pathogenic in the context of spinocerebellar ataxia, ANO10-related. This variant is predicted to lead to an abnormal or absent protein product due to the creation of a premature termination codon in ANO10, a gene where loss-of-function variants are known to be pathogenic. Please note: this variant was assessed in the context of healthy population screening.

Labcorp Genetics (formerly Invitae), Labcorp
Classification: Pathogenic. Last evaluated: 2023-07-05. Review status: criteria provided, single submitter. Criteria: Invitae Variant Classification Sherloc (09022015). Collection method: clinical testing. Allele origin: germline.
Comment: This variant has not been reported in the literature in individuals affected with ANO10-related conditions. This sequence change creates a premature translational stop signal (p.Trp237*) in the ANO10 gene. It is expected to result in an absent or disrupted protein product. Loss-of-function variants in ANO10 are known to be pathogenic (PMID: 25089919). This variant is not present in population databases (gnomAD no frequency). Algorithms developed to predict the effect of sequence changes on RNA splicing suggest that this variant may disrupt the consensus splice site. For these reasons, this variant has been classified as Pathogenic.

Literature cited by the submitters: PubMed 25089919 (cited by Labcorp Genetics (formerly Invitae), Labcorp).